The following is an entry in ClinVar:

NM_001130009.3(GEN1):c.2354C>T (p.Thr785Ile)

Gene: GEN1 (GEN1 Holliday junction 5' flap endonuclease; plus strand). Cytogenetic location: 2p24.2.
Variant type: single nucleotide variant.
Coding change: c.2354C>T on transcript NM_001130009.3 (MANE Select); coding-DNA position 2354, C replaced by T.
Protein change: p.Thr785Ile; replaces threonine 785 with isoleucine.
Molecular consequence: missense variant.
Genome position (GRCh38, 1-based): chr2:17,781,566, C>T. VCF-style: chr2-17781566-C-T. GRCh37 (hg19) VCF-style: chr2-17962833-C-T.
Other names: c.2354C>T, p.Thr785Ile (NM_182625.5); short protein forms T785I.
Identifiers: ClinVar variation 4263013 (VCV004263013.1).

ClinVar aggregate classification (germline): Uncertain significance (1 of 4 stars; one submission).

Submission:

Ambry Genetics
Classification: Uncertain significance. Last evaluated: 2025-07-06. Review status: criteria provided, single submitter. Criteria: Ambry Variant Classification Scheme 2023. Collection method: clinical testing. Allele origin: germline.
Comment: The p.T785I variant (also known as c.2354C>T), located in coding exon 13 of the GEN1 gene, results from a C to T substitution at nucleotide position 2354. The threonine at codon 785 is replaced by isoleucine, an amino acid with similar properties. This amino acid position is conserved. In addition, this alteration is predicted to be tolerated by in silico analysis. Based on the available evidence, the clinical significance of this variant remains unclear.